The following is an entry in ClinVar:

ClinVar aggregate classification (germline): Pathogenic (1 of 4 stars; one submission).

Conditions:
Osteogenesis imperfecta type I (OI1). Also called: Lobstein disease; Lobstein's Disease; OI, TYPE I; OSTEOGENESIS IMPERFECTA TARDA; OSTEOGENESIS IMPERFECTA WITH BLUE SCLERAE; Osteogenesis imperfecta type 1. Identifiers: Orphanet 216796, Orphanet 666, MedGen C0023931, MONDO:0008146, OMIM 166200. Disease mechanism: loss of function.

Submission:

Labcorp Genetics (formerly Invitae), Labcorp
Classification: Pathogenic for Osteogenesis imperfecta type I. Last evaluated: 2022-06-08. Review status: criteria provided, single submitter. Criteria: Invitae Variant Classification Sherloc (09022015). Collection method: clinical testing. Allele origin: germline.
Comment: For these reasons, this variant has been classified as Pathogenic. This premature translational stop signal has been observed in individual(s) with osteogenesis imperfecta (PMID: 19358256, 27748872). This variant is not present in population databases (gnomAD no frequency). This sequence change creates a premature translational stop signal (p.Pro193Trpfs*14) in the COL1A1 gene. It is expected to result in an absent or disrupted protein product. Loss-of-function variants in COL1A1 are known to be pathogenic (PMID: 7942841, 9295084, 9443882).

Literature cited by the submitters: PubMed 19358256; PubMed 27748872; PubMed 7942841; PubMed 9295084; PubMed 9443882.

NM_000088.4(COL1A1):c.577_578del (p.Pro193fs)

Gene: COL1A1 (collagen type I alpha 1 chain; minus strand). Cytogenetic location: 17q21.33.
Variant type: Deletion.
Coding change: c.577_578del on transcript NM_000088.4 (MANE Select); coding-DNA positions 577 to 578, 2 bases deleted (CC; older notation c.577_578delCC).
Protein change: p.Pro193fs; shifts the reading frame from proline 193.
Molecular consequence: frameshift variant.
Genome position (GRCh38, 1-based): chr17:50,198,171-50,198,172, GG deleted on the plus strand (CC on the coding strand, the reverse complement: COL1A1 is on the minus strand); deleting any 2 consecutive bases within chr17:50,198,171-50,198,176 gives the same sequence; the c. name uses the placement nearest the transcript's 3' end. VCF-style (leftmost placement, unchanged base first): chr17-50198170-AGG-A. GRCh37 (hg19) VCF-style: chr17-48275531-AGG-A.
Other names: short protein forms P193fs.
Identifiers: ClinVar variation 2003239 (VCV002003239.4), dbSNP rs1598300304, ClinGen allele CA2580094369.